The following is an entry in ClinVar:

ClinVar aggregate classification (germline): Likely pathogenic. Review status: criteria provided, multiple submitters, no conflicts (2 of 4 stars). 3 submissions from 3 submitters: Likely pathogenic (2). 1 of the submissions does not count toward it. Last evaluated 2024-04-04.

Conditions:
Deficiency of alpha-mannosidase (MANSA). Also called: Mannosidosis, alpha-, types I and II; Alpha-Mannosidosis; LYSOSOMAL ALPHA-D-MANNOSIDASE DEFICIENCY. Identifiers: Orphanet 61, MedGen C0024748, MONDO:0009561, OMIM 248500.

Allele frequency attached by ClinVar (database versions not stated): gnomAD exomes 0.00001.
gnomAD v4.1: 8 of 1,612,928 alleles (0.0005%); highest among the groups gnomAD compares: Non-Finnish European, 0.00068%; no homozygotes.

Submissions (3):

Natera, Inc.
Classification: Likely pathogenic for Alpha-mannosidosis. Last evaluated: 2024-04-04. Review status: criteria provided, single submitter. Criteria: Natera Variant Classification Schema (03/2026). Collection method: clinical testing. Allele origin: germline.
Comment: The c.2046+1G>A variant in MAN2B1 is a canonical splice donor site variant predicted to affect pre-mRNA splicing, which may result in an abnormal transcript and altered protein product. This variant is expected to result in nonsense mediated decay, truncation, or a dysfunctional protein product. This variant is rare in the general population with a frequency below the threshold expected for the associated phenotype(s). Given the available evidence, this variant is classified as Likely Pathogenic.

Baylor Genetics
Classification: Likely pathogenic for Deficiency of alpha-mannosidase. Last evaluated: 2023-12-06. Review status: criteria provided, single submitter. Criteria: ACMG Guidelines, 2015. Collection method: clinical testing. Allele origin: unknown.

Counsyl
Classification: Likely pathogenic for Deficiency of alpha-mannosidase. Last evaluated: 2018-04-30. Review status: no assertion criteria provided. Collection method: clinical testing. Allele origin: unknown. Not counted in ClinVar's aggregate classification.

NM_000528.4(MAN2B1):c.2046+1G>A

Gene: MAN2B1 (mannosidase alpha class 2B member 1; minus strand). Cytogenetic location: 19p13.13.
Variant type: single nucleotide variant.
Coding change: c.2046+1G>A on transcript NM_000528.4 (MANE Select); the canonical splice donor site of the intron after coding-DNA position 2046, G replaced by A.
Molecular consequence: splice donor variant.
Genome position (GRCh38, 1-based): chr19:12,652,152, C>T on the plus strand (G>A on the coding strand, the complement: MAN2B1 is on the minus strand). VCF-style: chr19-12652152-C-T. GRCh37 (hg19) VCF-style: chr19-12762966-C-T.
Other names: c.2043+1G>A (NM_001173498.2).
Identifiers: ClinVar variation 558100 (VCV000558100.5), dbSNP rs1555707087, ClinGen allele CA404243876.